The following is an entry in ClinVar:

ClinVar aggregate classification (germline): Uncertain significance (1 of 4 stars; one submission).

Conditions:
GNAS-related disorder. Identifiers: MedGen CN380105.

Submission:

PreventionGenetics, part of Exact Sciences
Classification: Uncertain significance for GNAS-related condition. Last evaluated: 2025-09-23. Review status: criteria provided, single submitter. Criteria: ACMG Guidelines, 2015. Collection method: clinical testing. Allele origin: germline.
Comment: The GNAS c.2023G>A variant is predicted to result in the amino acid substitution p.Asp675Asn. In the primary transcript (NM_000516.5), this variant is found within a non-coding region (c.-36439G>A). To our knowledge, this variant has not been reported in the literature or in a large population database (gnomAD), indicating this variant is rare. At this time, the clinical significance of this variant is uncertain due to the absence of conclusive functional and genetic evidence.

NM_080425.4(GNAS):c.2023G>A (p.Asp675Asn)

Gene: GNAS (GNAS complex locus; plus strand). Cytogenetic location: 20q13.32.
Variant type: single nucleotide variant.
Coding change: c.2023G>A on transcript NM_080425.4 (MANE Plus Clinical); coding-DNA position 2023, G replaced by A.
Protein change: p.Asp675Asn; replaces aspartic acid 675 with asparagine.
Molecular consequence: missense variant. On other transcripts: synonymous variant (2), intron variant (3).
Genome position (GRCh38, 1-based): chr20:58,855,288, G>A. VCF-style: chr20-58855288-G-A. GRCh37 (hg19) VCF-style: chr20-57430343-G-A.
Other names: c.1836G>A, p.Arg612= (NM_001077490.3, NM_001309883.1); c.2023G>A, p.Asp675Asn (NM_001410913.1); c.*42+14402G>A (NM_016592.5); c.43+14402G>A (NM_001410912.1); c.-39+13413G>A (NM_001309861.2); short protein forms D675N.
Identifiers: ClinVar variation 4999602 (VCV004999602.1).